The following is an entry in ClinVar:

NM_004714.3(DYRK1B):c.54G>A (p.Glu18=)

Gene: DYRK1B (dual specificity tyrosine phosphorylation regulated kinase 1B; minus strand). Cytogenetic location: 19q13.2.
Variant type: single nucleotide variant.
Coding change: c.54G>A on transcript NM_004714.3 (MANE Select); coding-DNA position 54, G replaced by A.
Protein change: p.Glu18=; no amino-acid change (glutamic acid 18 retained).
Molecular consequence: synonymous variant.
Genome position (GRCh38, 1-based): chr19:39,831,814, C>T on the plus strand (G>A on the coding strand, the complement: DYRK1B is on the minus strand). VCF-style: chr19-39831814-C-T. GRCh37 (hg19) VCF-style: chr19-40322454-C-T.
Other names: c.54G>A, p.Glu18= (NM_006483.3, NM_006484.3).
Identifiers: ClinVar variation 3030862 (VCV003030862.2), dbSNP rs1968826886, ClinGen allele CA507447722.

ClinVar aggregate classification (germline): Likely benign (0 of 4 stars; one submission).

Conditions:
DYRK1B-related disorder. Also called: DYRK1B-related condition.

Allele frequency attached by ClinVar (database versions not stated): gnomAD exomes 0.00001; TOPMed 0.00001.

Submission:

PreventionGenetics, part of Exact Sciences
Classification: Likely benign for DYRK1B-related condition. Last evaluated: 2023-07-21. Review status: no assertion criteria provided. Collection method: clinical testing. Allele origin: germline.
Comment: This variant is classified as likely benign based on ACMG/AMP sequence variant interpretation guidelines (Richards et al. 2015 PMID: 25741868, with internal and published modifications).